The following is an entry in ClinVar:

NM_000038.5(APC):c.934-?_*2113+?del

Gene: APC (APC regulator of Wnt signaling pathway; plus strand).
Variant type: Deletion.
Coding change: c.934-?_*2113+?del on transcript NM_000038.5.
Identifiers: ClinVar variation 236662 (VCV000236662.1).

ClinVar aggregate classification (germline): Pathogenic (1 of 4 stars; one submission).

Conditions:
Familial adenomatous polyposis 1 (FAP1). Also called: FAMILIAL ADENOMATOUS POLYPOSIS 1, ATTENUATED; POLYPOSIS, ADENOMATOUS INTESTINAL. Identifiers: MedGen C2713442, MONDO:0021056, OMIM 175100. Disease mechanism: loss of function.

Submission:

Labcorp Genetics (formerly Invitae), Labcorp
Classification: Pathogenic for Familial adenomatous polyposis 1. Last evaluated: 2016-01-17. Review status: criteria provided, single submitter. Criteria: Invitae Variant Classification Sherloc (09022015). Collection method: clinical testing. Allele origin: germline.
Comment: This variant is a gross deletion of the genomic region encompassing exons 10-16 of the APC gene. The 5' boundary is likely confined to intron 9. The 3' end of this event is unknown as it extends through the termination codon beyond the assayed region for this gene and may encompass additional genes. While this deletion is not anticipated to result in nonsense mediated decay, it is expected to create a truncated APC protein. Truncating variants in APC are known to be pathogenic. A gross deletion encompassing the same exons has been reported in the literature in individuals affected with familial adenomatous polyposis (PMID: 17568392, 20223039). In the literature, this copy number change is reported as a deletion of exons 9-15. For these reasons, this variant has been classified as Pathogenic.